The following is an entry in ClinVar:

ClinVar aggregate classification (germline): Pathogenic. Review status: criteria provided, single submitter (1 of 4 stars). 2 submissions from 2 submitters: Pathogenic (1). 1 of the submissions does not count toward it. Last evaluated 2025-06-17.

Conditions:
Curry-Hall syndrome (WAD). Also called: WEYERS ACRODENTAL DYSOSTOSIS. Identifiers: Orphanet 952, MedGen C0457013, MONDO:0008673, OMIM 193530.
Ellis-van Creveld syndrome (EVC). Also called: EVC2-Related Ellis-van Creveld Syndrome; EVC-Related Ellis-van Creveld Syndrome; MESOECTODERMAL DYSPLASIA; Chondroectodermal dysplasia. Identifiers: Orphanet 289, MedGen C0013903, MONDO:0009162, OMIM 225500.

Allele frequency attached by ClinVar (database versions not stated): gnomAD exomes below 0.00001; ExAC 0.00001.

Submissions (2):

Labcorp Genetics (formerly Invitae), Labcorp
Classification: Pathogenic for Curry-Hall syndrome; Ellis-van Creveld syndrome. Last evaluated: 2025-06-17. Review status: criteria provided, single submitter. Criteria: Invitae Variant Classification Sherloc (09022015). Collection method: clinical testing. Allele origin: germline.
Comment: This sequence change creates a premature translational stop signal (p.Pro1153Argfs*37) in the EVC2 gene. It is expected to result in an absent or disrupted protein product. Loss-of-function variants in EVC2 are known to be pathogenic (PMID: 17024374, 19810119, 19876929). This variant is present in population databases (rs778793911, gnomAD 0.001%). This variant has not been reported in the literature in individuals affected with EVC2-related conditions. ClinVar contains an entry for this variant (Variation ID: 554154). For these reasons, this variant has been classified as Pathogenic.

Counsyl
Classification: Likely pathogenic for Ellis-van Creveld syndrome. Last evaluated: 2017-09-27. Review status: no assertion criteria provided. Collection method: clinical testing. Allele origin: unknown. Not counted in ClinVar's aggregate classification.

Literature cited by the submitters: PubMed 17024374 (cited by Labcorp Genetics (formerly Invitae), Labcorp); PubMed 19810119 (cited by Labcorp Genetics (formerly Invitae), Labcorp); PubMed 19876929 (cited by Labcorp Genetics (formerly Invitae), Labcorp).

NM_147127.5(EVC2):c.3458_3476del (p.Pro1153fs)

Gene: EVC2 (EvC ciliary complex subunit 2; minus strand). Cytogenetic location: 4p16.2.
Variant type: Deletion.
Coding change: c.3458_3476del on transcript NM_147127.5 (MANE Select); coding-DNA positions 3458 to 3476, 19 bases deleted (CTCAGCTGCTGGCCCTGCT).
Protein change: p.Pro1153fs; shifts the reading frame from proline 1153.
Molecular consequence: frameshift variant.
Genome position (GRCh38, 1-based): chr4:5,568,525-5,568,543, AGCAGGGCCAGCAGCTGAG deleted on the plus strand (CTCAGCTGCTGGCCCTGCT on the coding strand, the reverse complement: EVC2 is on the minus strand). VCF-style (leftmost placement, unchanged base first): chr4-5568524-CAGCAGGGCCAGCAGCTGAG-C. GRCh37 (hg19) VCF-style: chr4-5570251-CAGCAGGGCCAGCAGCTGAG-C.
Other names: c.3218_3236del, p.Pro1073fs (NM_001166136.2); short protein forms P1073fs, P1153fs.
Identifiers: ClinVar variation 554154 (VCV000554154.6), dbSNP rs778793911, ClinGen allele CA2834307.